The following is an entry in ClinVar:

ClinVar aggregate classification (germline): Likely pathogenic (1 of 4 stars; one submission).

Conditions:
Epiphyseal dysplasia. Identifiers: MedGen C0392476, HP:0002656.

Submission:

Dubai Health Genomic Medicine Center, Dubai Health
Classification: Likely pathogenic for Epiphyseal dysplasia. Last evaluated: 2024-10-04. Review status: criteria provided, single submitter. Criteria: ACMG Guidelines, 2015. Collection method: research. Allele origin: germline. Affected: yes.
Comment: PVS1,PM2,PP1

NM_001852.4(COL9A2):c.1807A>T (p.Lys603Ter)

Gene: COL9A2 (collagen type IX alpha 2 chain; minus strand). Cytogenetic location: 1p34.2.
Variant type: single nucleotide variant.
Coding change: c.1807A>T on transcript NM_001852.4 (MANE Select); coding-DNA position 1807, A replaced by T.
Protein change: p.Lys603Ter; replaces lysine 603 with a stop codon.
Molecular consequence: nonsense.
Genome position (GRCh38, 1-based): chr1:40,301,875, T>A on the plus strand (A>T on the coding strand, the complement: COL9A2 is on the minus strand). VCF-style: chr1-40301875-T-A. GRCh37 (hg19) VCF-style: chr1-40767547-T-A.
Other names: short protein forms K603*.
Identifiers: ClinVar variation 3384041 (VCV003384041.1).